The following is an entry in ClinVar:

ClinVar aggregate classification (germline): Uncertain significance (1 of 4 stars; one submission).

Conditions:
Congenital myopathy with internal nuclei and atypical cores. Also called: Myopathy, centronuclear, 4. Identifiers: Orphanet 319160, MedGen C4707232, MONDO:0013890, OMIM 614807.

gnomAD v4.1: 2 of 1,612,654 alleles (0.00012%); highest among the groups gnomAD compares: Non-Finnish European, 0.00017%; no homozygotes.

Submission:

Labcorp Genetics (formerly Invitae), Labcorp
Classification: Uncertain significance for Congenital myopathy with internal nuclei and atypical cores. Last evaluated: 2025-12-20. Review status: criteria provided, single submitter. Criteria: Invitae Variant Classification Sherloc (09022015). Collection method: clinical testing. Allele origin: germline.
Comment: This sequence change replaces glutamine, which is neutral and polar, with glutamic acid, which is acidic and polar, at codon 127 of the CCDC78 protein (p.Gln127Glu). This variant is present in population databases (no rsID available, gnomAD 0.007%). This variant has not been reported in the literature in individuals affected with CCDC78-related conditions. ClinVar contains an entry for this variant (Variation ID: 3631398). Invitae Evidence Modeling of protein sequence and biophysical properties (such as structural, functional, and spatial information, amino acid conservation, physicochemical variation, residue mobility, and thermodynamic stability) indicates that this missense variant is not expected to disrupt CCDC78 protein function with a negative predictive value of 80%. In summary, the available evidence is currently insufficient to determine the role of this variant in disease. Therefore, it has been classified as a Variant of Uncertain Significance.

NM_001378030.1(CCDC78):c.379C>G (p.Gln127Glu)

Gene: CCDC78 (coiled-coil domain containing 78; minus strand). Cytogenetic location: 16p13.3.
Variant type: single nucleotide variant.
Coding change: c.379C>G on transcript NM_001378030.1 (MANE Select); coding-DNA position 379, C replaced by G.
Protein change: p.Gln127Glu; replaces glutamine 127 with glutamic acid.
Molecular consequence: missense variant. On other transcripts: non-coding transcript variant (5), intron variant (1).
Genome position (GRCh38, 1-based): chr16:725,469, G>C on the plus strand (C>G on the coding strand, the complement: CCDC78 is on the minus strand). VCF-style: chr16-725469-G-C. GRCh37 (hg19) VCF-style: chr16-775469-G-C.
Other names: c.379C>G, p.Gln127Glu (NM_001031737.3, NM_001378031.1); c.-18-176C>G (NM_001378033.1); short protein forms Q127E.
Identifiers: ClinVar variation 3631398 (VCV003631398.2).